The following is an entry in ClinVar:

NC_000014.8:g.(?_76259239)_(76286524_?)del

Gene: TTLL5 (tubulin tyrosine ligase like 5; plus strand). Cytogenetic location: 14q24.3.
Variant type: Deletion.
Identifiers: ClinVar variation 2426054 (VCV002426054.4).

ClinVar aggregate classification (germline): Pathogenic (1 of 4 stars; one submission).

Submission:

Labcorp Genetics (formerly Invitae), Labcorp
Classification: Pathogenic. Last evaluated: 2022-09-27. Review status: criteria provided, single submitter. Criteria: Invitae Variant Classification Sherloc (09022015). Collection method: clinical testing. Allele origin: germline.
Comment: For these reasons, this variant has been classified as Pathogenic. This variant has not been reported in the literature in individuals affected with TTLL5-related conditions. This variant is a gross deletion of the genomic region encompassing exon(s) 27-28 of the TTLL5 gene. This deletion is out-of-frame, and is expected to create a premature termination codon and result in an absent or disrupted protein product. Loss-of-function variants in TTLL5 are known to be pathogenic (PMID: 24791901, 27162334).

Literature cited by the submitters: PubMed 24791901; PubMed 27162334.